The following is an entry in ClinVar:

ClinVar aggregate classification (germline): Uncertain significance (1 of 4 stars; one submission).

Conditions:
Primary ciliary dyskinesia. Also called: Ciliary dyskinesia. Identifiers: Orphanet 244, MedGen C0008780, MONDO:0016575, HP:0012265.

Allele frequency attached by ClinVar (database versions not stated): gnomAD exomes below 0.00001; ExAC 0.00001.
gnomAD v4.1: 1 of 1,180,509 alleles (0.000085%); highest among the groups gnomAD compares: Non-Finnish European, 0.00012%; no homozygotes.

Submission:

Ambry Genetics
Classification: Uncertain significance for Primary ciliary dyskinesia. Last evaluated: 2023-03-20. Review status: criteria provided, single submitter. Criteria: Ambry Variant Classification Scheme 2023. Collection method: clinical testing. Allele origin: germline.
Comment: The p.N938I variant (also known as c.2813A>T), located in coding exon 21 of the OFD1 gene, results from an A to T substitution at nucleotide position 2813. The asparagine at codon 938 is replaced by isoleucine, an amino acid with dissimilar properties. This amino acid position is conserved. In addition, this alteration is predicted to be tolerated by in silico analysis. Since supporting evidence is limited at this time, the clinical significance of this alteration remains unclear.

NM_003611.3(OFD1):c.2813A>T (p.Asn938Ile)

Gene: OFD1 (OFD1 centriole and centriolar satellite protein; plus strand). Cytogenetic location: Xp22.2.
Variant type: single nucleotide variant.
Coding change: c.2813A>T on transcript NM_003611.3 (MANE Select); coding-DNA position 2813, A replaced by T.
Protein change: p.Asn938Ile; replaces asparagine 938 with isoleucine.
Molecular consequence: missense variant.
Genome position (GRCh38, 1-based): chrX:13,768,109, A>T. VCF-style: chrX-13768109-A-T. GRCh37 (hg19) VCF-style: chrX-13786228-A-T.
Other names: c.2693A>T, p.Asn898Ile (NM_001330209.2); c.2393A>T, p.Asn798Ile (NM_001330210.2); short protein forms N798I, N898I, N938I.
Identifiers: ClinVar variation 3223479 (VCV003223479.1), dbSNP rs747006685, ClinGen allele CA10352087.